The following is an entry in ClinVar:

ClinVar aggregate classification (germline): Uncertain significance. Review status: criteria provided, multiple submitters, no conflicts (2 of 4 stars). 2 submissions from 2 submitters: Uncertain significance (2). Last evaluated 2024-11-04.

Conditions:
BRCA1-related cancer predisposition. Identifiers: MedGen CN377757, MONDO:0700268.
Hereditary cancer-predisposing syndrome. Also called: Neoplastic Syndromes, Hereditary; Hereditary Cancer Syndrome; Tumor predisposition; Hereditary neoplastic syndrome. Identifiers: Orphanet 140162, MedGen C0027672, MeSH D009386, MONDO:0015356.

Submissions (2):

Catlab - Consorci Sanitari de Terrassa
Classification: Uncertain significance for Hereditary cancer-predisposing syndrome. Last evaluated: 2024-11-04. Review status: criteria provided, single submitter. Criteria: ClinGen BRCA1BRCA2 ACMG Specifications BRCA1 V1.1.0. Collection method: clinical testing. Allele origin: germline.
Comment: Based on the currently available information, this variant is classified as Variant of Uncertain Significance according to ClinGen BRCA1 v1.1.0 guidelines. ACMG criteria: PM2_supp, BP1_strong.

All of Us Research Program, National Institutes of Health
Classification: Uncertain significance for BRCA1-related cancer predisposition. Last evaluated: 2024-08-13. Review status: criteria provided, single submitter. Criteria: ACMG Guidelines, 2015. Collection method: clinical testing. Allele origin: germline. Inheritance: Autosomal dominant inheritance. Observed: 1 variant allele, 1 heterozygote.
Comment: This missense variant replaces leucine with serine at codon 752 of the BRCA1 protein. Computational prediction suggests that this variant may not impact protein structure and function. To our knowledge, functional studies have not been reported for this variant. This variant has not been reported in individuals affected with BRCA1-related disorders in the literature. This variant has not been identified in the general population by the Genome Aggregation Database (gnomAD). The available evidence is insufficient to determine the role of this variant in disease conclusively. Therefore, this variant is classified as a Variant of Uncertain Significance.

This study involves interpretation of variants in research participants for the purpose of population health screening. Participant phenotype was not available at the time of variant classification. Additional details can be found in publication PMID: 35346344, PMCID: PMC8962531

NM_007294.4(BRCA1):c.2255T>C (p.Leu752Ser)

Gene: BRCA1 (BRCA1 DNA repair associated; minus strand). Cytogenetic location: 17q21.31.
Variant type: single nucleotide variant.
Coding change: c.2255T>C on transcript NM_007294.4 (MANE Select); coding-DNA position 2255, T replaced by C.
Protein change: p.Leu752Ser; replaces leucine 752 with serine.
Molecular consequence: missense variant. On other transcripts: intron variant (137).
Genome position (GRCh38, 1-based): chr17:43,093,276, A>G on the plus strand (T>C on the coding strand, the complement: BRCA1 is on the minus strand). VCF-style: chr17-43093276-A-G. GRCh37 (hg19) VCF-style: chr17-41245293-A-G.
Other names: c.2042T>C, p.Leu681Ser (NM_001407571.1, NM_001407853.1, NM_001407894.1 and 9 more transcripts); c.2255T>C, p.Leu752Ser (NM_001407581.1, NM_001407582.1, NM_001407583.1 and 30 more transcripts); c.2252T>C, p.Leu751Ser (NM_001407587.1, NM_001407590.1, NM_001407591.1 and 22 more transcripts); c.2246T>C, p.Leu749Ser (NM_001407646.1, NM_001407647.1); c.2132T>C, p.Leu711Ser (NM_001407648.1, NM_001407664.1, NM_001407665.1 and 19 more transcripts); c.2129T>C, p.Leu710Ser (NM_001407649.1, NM_001407670.1, NM_001407671.1 and 11 more transcripts); c.2177T>C, p.Leu726Ser (NM_001407653.1, NM_001407654.1, NM_001407655.1 and 4 more transcripts); c.2174T>C, p.Leu725Ser (NM_001407659.1, NM_001407660.1, NM_001407661.1 and 1 more transcripts); and 41 more; short protein forms L456S, L584S, L624S, L625S, L640S, L641S, L663S, L664S.
Identifiers: ClinVar variation 3386217 (VCV003386217.2).
Genomic context (GRCh38, chr17:43,093,276, plus strand): 5'-ACCAATGAAATACTGCTACTCTCTACAGATCTTTCAGTTTGCAAAACCCTTTCTCCACTT[A>G]ACATGAGATCTTTGGGGTCTTCAGCATTATTAGACACTTTAACTGTTTCTAGTTTCTCTT-3'
Protein context (NP_009225.1, residues 742-762): NNAEDPKDLM[Leu752Ser]SGERVLQTER